The following is an entry in ClinVar:

NM_173660.5(DOK7):c.332-43_332-18del

Gene: DOK7 (docking protein 7; plus strand). Cytogenetic location: 4p16.3.
Variant type: Deletion.
Coding change: c.332-43_332-18del on transcript NM_173660.5 (MANE Select); 43 bases into the intron before coding-DNA position 332 through 18 bases into the intron before coding-DNA position 332, 26 bases deleted (ACCCTGCCCGCCCGTGATGCCCTCTT).
Molecular consequence: intron variant.
Genome position (GRCh38, 1-based): chr4:3,476,299-3,476,324, ACCCTGCCCGCCCGTGATGCCCTCTT deleted. VCF-style (leftmost placement, unchanged base first): chr4-3476298-CACCCTGCCCGCCCGTGATGCCCTCTT-C. GRCh37 (hg19) VCF-style: chr4-3478025-CACCCTGCCCGCCCGTGATGCCCTCTT-C.
Other names: p.?; c.332-43_332-18delACCCTGCCCGCCCGTGATGCCCTCTT (NM_173660.4); c.332-43_332-18del (NM_001301071.2, NM_001164673.2); c.101-9240_101-9215del (NM_001363811.2).
Identifiers: ClinVar variation 419894 (VCV000419894.10), dbSNP rs781466203, ClinGen allele CA2828955.

ClinVar aggregate classification (germline): Likely benign. Review status: criteria provided, multiple submitters, no conflicts (2 of 4 stars). 3 submissions from 3 submitters: Likely benign (3). Last evaluated 2026-02-04.

Conditions:
Congenital myasthenic syndrome 10. Also called: Myasthenia, limb-girdle, familial. Identifiers: Orphanet 590, MedGen C1850792, MONDO:0009690, OMIM 254300.
Fetal akinesia deformation sequence 1 (FADS1). Also called: Fetal akinesia sequence; Pena-Shokeir syndrome type I. Identifiers: Orphanet 994, MedGen C1276035, MONDO:0100101, OMIM 208150, HP:0001989.

Allele frequency attached by ClinVar (database versions not stated): gnomAD exomes 0.00006 and 0.00021; ExAC 0.00041; gnomAD 0.00108.

Submissions (3):

Labcorp Genetics (formerly Invitae), Labcorp
Classification: Likely benign for Congenital myasthenic syndrome 10; Fetal akinesia deformation sequence 1. Last evaluated: 2026-02-04. Review status: criteria provided, single submitter. Criteria: Invitae Variant Classification Sherloc (09022015). Collection method: clinical testing. Allele origin: germline.

Mayo Clinic Laboratories, Mayo Clinic
Classification: Likely benign. Last evaluated: 2025-02-28. Review status: criteria provided, single submitter. Criteria: ACMG Guidelines, 2015. Collection method: clinical testing. Allele origin: germline. Observed: 1 variant allele.
Comment: BS2, BP4, BP7

GeneDx
Classification: Likely benign. Last evaluated: 2017-11-10. Review status: criteria provided, single submitter. Criteria: GeneDx Variant Classification (06012015). Collection method: clinical testing. Allele origin: germline. Affected: yes.
Comment: This variant is considered likely benign or benign based on one or more of the following criteria: it is a conservative change, it occurs at a poorly conserved position in the protein, it is predicted to be benign by multiple in silico algorithms, and/or has population frequency not consistent with disease.